The following is an entry in ClinVar:

ClinVar aggregate classification (germline): Uncertain significance. Review status: criteria provided, multiple submitters, no conflicts (2 of 4 stars). 4 submissions from 4 submitters: Uncertain significance (4). Last evaluated 2025-08-30.

Conditions:
Dilated cardiomyopathy 1JJ (CMD1JJ). Identifiers: Orphanet 154, MedGen C3808935, MONDO:0014095, OMIM 615235.
Cardiovascular phenotype. Identifiers: MedGen CN230736.

Allele frequency attached by ClinVar (database versions not stated): TOPMed 0.00002.
gnomAD v4.1: 19 of 1,613,704 alleles (0.0012%); highest among the groups gnomAD compares: Admixed American, 0.0067%; no homozygotes.

Submissions (4):

Ambry Genetics
Classification: Uncertain significance for Cardiovascular phenotype. Last evaluated: 2025-08-30. Review status: criteria provided, single submitter. Criteria: Ambry Variant Classification Scheme 2023. Collection method: clinical testing. Allele origin: germline.
Comment: The p.R103Q variant (also known as c.308G>A), located in coding exon 3 of the LAMA4 gene, results from a G to A substitution at nucleotide position 308. The arginine at codon 103 is replaced by glutamine, an amino acid with highly similar properties. This alteration has been reported in a sudden cardiac death cohort (Lahrouchi N et al. Eur J Hum Genet, 2020 01;28:17-22). This amino acid position is well conserved in available vertebrate species. In addition, the in silico prediction for this alteration is inconclusive. Since supporting evidence is limited at this time, the clinical significance of this alteration remains unclear.

Labcorp Genetics (formerly Invitae), Labcorp
Classification: Uncertain significance for Dilated cardiomyopathy 1JJ. Last evaluated: 2023-08-07. Review status: criteria provided, single submitter. Criteria: Invitae Variant Classification Sherloc (09022015). Collection method: clinical testing. Allele origin: germline.
Comment: In summary, the available evidence is currently insufficient to determine the role of this variant in disease. Therefore, it has been classified as a Variant of Uncertain Significance. Algorithms developed to predict the effect of missense changes on protein structure and function output the following: SIFT: "Not Available"; PolyPhen-2: "Benign"; Align-GVGD: "Not Available". The glutamine amino acid residue is found in multiple mammalian species, which suggests that this missense change does not adversely affect protein function. ClinVar contains an entry for this variant (Variation ID: 1037643). This missense change has been observed in individual(s) with sudden cardiac death (PMID: 31534214). This variant is present in population databases (no rsID available, gnomAD 0.009%). This sequence change replaces arginine, which is basic and polar, with glutamine, which is neutral and polar, at codon 103 of the LAMA4 protein (p.Arg103Gln).

Fulgent Genetics
Classification: Uncertain significance for Dilated cardiomyopathy 1JJ. Last evaluated: 2022-04-25. Review status: criteria provided, single submitter. Criteria: ACMG Guidelines, 2015. Collection method: clinical testing. Allele origin: unknown.

GeneDx
Classification: Uncertain significance. Last evaluated: 2020-10-16. Review status: criteria provided, single submitter. Criteria: GeneDx Variant Classification Process June 2021. Collection method: clinical testing. Allele origin: germline. Affected: yes.
Comment: Reported in a patient with sudden death (Lahrouchi et al., 2020); however, no additional clinical information was provided; Not observed at a significant frequency in large population cohorts (Lek et al., 2016); In silico analysis supports that this missense variant does not alter protein structure/function; This variant is associated with the following publications: (PMID: 31534214)

Literature cited by the submitters: PubMed 31534214 (cited by Ambry Genetics and Labcorp Genetics (formerly Invitae), Labcorp).

NM_001105206.3(LAMA4):c.308G>A (p.Arg103Gln)

Gene: LAMA4 (laminin subunit alpha 4; minus strand). Cytogenetic location: 6q21.
Variant type: single nucleotide variant.
Coding change: c.308G>A on transcript NM_001105206.3 (MANE Select); coding-DNA position 308, G replaced by A.
Protein change: p.Arg103Gln; replaces arginine 103 with glutamine.
Molecular consequence: missense variant.
Genome position (GRCh38, 1-based): chr6:112,207,135, C>T on the plus strand (G>A on the coding strand, the complement: LAMA4 is on the minus strand). VCF-style: chr6-112207135-C-T. GRCh37 (hg19) VCF-style: chr6-112528336-C-T.
Other names: c.308G>A, p.Arg103Gln (NM_001105207.3, NM_002290.5); short protein forms R103Q.
Identifiers: ClinVar variation 1037643 (VCV001037643.12), dbSNP rs782029414, ClinGen allele CA365381279.